The following is an entry in ClinVar:

ClinVar aggregate classification (germline): Pathogenic/Likely pathogenic. Review status: criteria provided, multiple submitters, no conflicts (2 of 4 stars). 4 submissions from 4 submitters: Pathogenic (2); Likely pathogenic (1). 1 of the submissions does not count toward it. Last evaluated 2023-09-27.

Conditions:
Hereditary cancer-predisposing syndrome. Also called: Tumor predisposition; Neoplastic Syndromes, Hereditary; Hereditary Cancer Syndrome; Hereditary neoplastic syndrome. Identifiers: Orphanet 140162, MedGen C0027672, MeSH D009386, MONDO:0015356.
Familial cancer of breast. Also called: hereditary breast carcinoma; BREAST CANCER, FAMILIAL; Hereditary breast cancer. Identifiers: Orphanet 227535, MedGen C0346153, MONDO:0016419, OMIM 114480. Disease mechanism: loss of function.

Submissions (4):

Ambry Genetics
Classification: Pathogenic for Hereditary cancer-predisposing syndrome. Last evaluated: 2023-09-27. Review status: criteria provided, single submitter. Criteria: Ambry Variant Classification Scheme 2023. Collection method: clinical testing. Allele origin: germline.
Comment: The c.693dupA pathogenic mutation, located in coding exon 4 of the PALB2 gene, results from a duplication of A at nucleotide position 693, causing a translational frameshift with a predicted alternate stop codon (p.G232Rfs*3). This variant is considered to be rare based on population cohorts in the Genome Aggregation Database (gnomAD). This alteration is expected to result in loss of function by premature protein truncation or nonsense-mediated mRNA decay. As such, this alteration is interpreted as a disease-causing mutation.

Labcorp Genetics (formerly Invitae), Labcorp
Classification: Pathogenic for Familial cancer of breast. Last evaluated: 2023-02-14. Review status: criteria provided, single submitter. Criteria: Invitae Variant Classification Sherloc (09022015). Collection method: clinical testing. Allele origin: germline.
Comment: For these reasons, this variant has been classified as Pathogenic. ClinVar contains an entry for this variant (Variation ID: 225849). This premature translational stop signal has been observed in individual(s) with breast cancer (PMID: 26283626). This variant is not present in population databases (gnomAD no frequency). This sequence change creates a premature translational stop signal (p.Gly232Argfs*3) in the PALB2 gene. It is expected to result in an absent or disrupted protein product. Loss-of-function variants in PALB2 are known to be pathogenic (PMID: 17200668, 17200671, 17200672, 24136930, 25099575).

Cancer Genetics Laboratory, Peter MacCallum Cancer Centre
Classification: Likely pathogenic for Familial cancer of breast. Last evaluated: 2015-06-01. Review status: criteria provided, single submitter. Criteria: Thompson et al. (Breast Cancer Res. 2015). Collection method: case-control. Allele origin: germline. Affected: yes. Observed: 1 variant allele, 1 heterozygote.

Diagnostics Centre, Carl Von Ossietzky University Oldenburg
Classification: Likely pathogenic for Familial cancer of breast. Last evaluated: 2026-04-20. Review status: no assertion criteria provided. Collection method: clinical testing. Allele origin: germline. Affected: yes. Observed: 1 variant allele. Not counted in ClinVar's aggregate classification.

Literature cited by the submitters: PubMed 26283626 (cited by Labcorp Genetics (formerly Invitae), Labcorp); PubMed 17200668 (cited by Labcorp Genetics (formerly Invitae), Labcorp); PubMed 17200671 (cited by Labcorp Genetics (formerly Invitae), Labcorp); PubMed 17200672 (cited by Labcorp Genetics (formerly Invitae), Labcorp); PubMed 24136930 (cited by Labcorp Genetics (formerly Invitae), Labcorp); PubMed 25099575 (cited by Labcorp Genetics (formerly Invitae), Labcorp).

NM_024675.4(PALB2):c.693dup (p.Gly232fs)

Gene: PALB2 (partner and localizer of BRCA2; minus strand). Cytogenetic location: 16p12.2.
Variant type: Duplication.
Coding change: c.693dup on transcript NM_024675.4 (MANE Select); coding-DNA position 693, one base duplicated (A; older notation c.693dupA).
Protein change: p.Gly232fs; shifts the reading frame from glycine 232.
Molecular consequence: frameshift variant.
Genome position (GRCh38, 1-based): chr16:23,635,853, T duplicated on the plus strand (A on the coding strand, the reverse complement: PALB2 is on the minus strand); the first of 5 consecutive T bases (chr16:23,635,853-23,635,857); duplicating any one gives the same sequence. VCF-style (leftmost placement, unchanged base first): chr16-23635852-C-CT. GRCh37 (hg19) VCF-style: chr16-23647173-C-CT.
Other names: c.693dupA (NM_024675.3); short protein forms G232fs.
Identifiers: ClinVar variation 225849 (VCV000225849.9), dbSNP rs875989791, ClinGen allele CA10576116.